The following is an entry in ClinVar:

NM_033028.5(BBS4):c.332+5G>A

Gene: BBS4 (Bardet-Biedl syndrome 4; plus strand). Cytogenetic location: 15q24.1.
Variant type: single nucleotide variant.
Coding change: c.332+5G>A on transcript NM_033028.5 (MANE Select); 5 bases into the intron after coding-DNA position 332, G replaced by A.
Molecular consequence: intron variant.
Genome position (GRCh38, 1-based): chr15:72,715,407, G>A. VCF-style: chr15-72715407-G-A. GRCh37 (hg19) VCF-style: chr15-73007748-G-A.
Other names: c.332+5G>A (NM_001320665.2); c.-190+5G>A (NM_001252678.2).
Identifiers: ClinVar variation 866813 (VCV000866813.5), dbSNP rs758789705, ClinGen allele CA7646579.

ClinVar aggregate classification (germline): Uncertain significance. Review status: criteria provided, multiple submitters, no conflicts (2 of 4 stars). 2 submissions from 2 submitters: Uncertain significance (2). Last evaluated 2022-10-24.

Conditions:
Bardet-Biedl syndrome (BBS). Identifiers: Orphanet 110, MedGen C0752166, MONDO:0015229.

Allele frequency attached by ClinVar (database versions not stated): gnomAD exomes below 0.00001 and 0.00002; ExAC 0.00001.
gnomAD v4.1: 7 of 1,602,128 alleles (0.00044%); highest among the groups gnomAD compares: African/African-American, 0.0013%; no homozygotes.

Submissions (2):

Labcorp Genetics (formerly Invitae), Labcorp
Classification: Uncertain significance for Bardet-Biedl syndrome. Last evaluated: 2022-10-24. Review status: criteria provided, single submitter. Criteria: Invitae Variant Classification Sherloc (09022015). Collection method: clinical testing. Allele origin: germline.
Comment: This sequence change falls in intron 5 of the BBS4 gene. It does not directly change the encoded amino acid sequence of the BBS4 protein. It affects a nucleotide within the consensus splice site. This variant is present in population databases (rs758789705, gnomAD 0.004%). This variant has been observed in individual(s) with Bardet-Biedl syndrome (Invitae). ClinVar contains an entry for this variant (Variation ID: 866813). Variants that disrupt the consensus splice site are a relatively common cause of aberrant splicing (PMID: 17576681, 9536098). Algorithms developed to predict the effect of sequence changes on RNA splicing suggest that this variant may disrupt the consensus splice site. In summary, the available evidence is currently insufficient to determine the role of this variant in disease. Therefore, it has been classified as a Variant of Uncertain Significance.

Blueprint Genetics
Classification: Uncertain significance. Last evaluated: 2022-03-23. Review status: criteria provided, single submitter. Criteria: ACMG Guidelines, 2015. Collection method: clinical testing. Allele origin: germline.

Literature cited by the submitters: PubMed 17576681 (cited by Labcorp Genetics (formerly Invitae), Labcorp); PubMed 9536098 (cited by Labcorp Genetics (formerly Invitae), Labcorp).